The following is an entry in ClinVar:

NM_000112.4(SLC26A2):c.1739T>C (p.Ile580Thr)

Gene: SLC26A2 (solute carrier family 26 member 2; plus strand). Cytogenetic location: 5q32.
Variant type: single nucleotide variant.
Coding change: c.1739T>C on transcript NM_000112.4 (MANE Select); coding-DNA position 1739, T replaced by C.
Protein change: p.Ile580Thr; replaces isoleucine 580 with threonine.
Molecular consequence: missense variant.
Genome position (GRCh38, 1-based): chr5:149,981,332, T>C. VCF-style: chr5-149981332-T-C. GRCh37 (hg19) VCF-style: chr5-149360895-T-C.
Other names: short protein forms I580T.
Identifiers: ClinVar variation 2167744 (VCV002167744.1), dbSNP rs934543109, ClinGen allele CA129084587.

ClinVar aggregate classification (germline): Uncertain significance (1 of 4 stars; one submission).

Conditions:
Achondrogenesis, type IB (ACG1B). Also called: Achondrogenesis Type 1B. Identifiers: Orphanet 932, Orphanet 93298, MedGen C0265274, MONDO:0010966, OMIM 600972.
Multiple epiphyseal dysplasia type 4 (EDM4). Also called: SLC26A2-Related Multiple Epiphyseal Dysplasia; Multiple Epiphyseal Dysplasia, Recessive; MULTIPLE EPIPHYSEAL DYSPLASIA WITH BILAYERED PATELLAE; MULTIPLE EPIPHYSEAL DYSPLASIA WITH CLUBFOOT; MULTIPLE EPIPHYSEAL DYSPLASIA, AUTOSOMAL RECESSIVE. Identifiers: Orphanet 93307, MedGen C1847593, MONDO:0009189, OMIM 226900.
Atelosteogenesis type II (AO2). Also called: Neonatal osseous dysplasia 1; SLC26A2-Related Atelosteogenesis; NEONATAL OSSEOUS DYSPLASIA I. Identifiers: Orphanet 56304, MedGen C1850554, MONDO:0009727, OMIM 256050.
Diastrophic dysplasia (DTD). Also called: Diastrophic dwarfism. Identifiers: Orphanet 628, MedGen C0220726, MONDO:0009107, OMIM 222600.

Allele frequency attached by ClinVar (database versions not stated): gnomAD exomes below 0.00001; gnomAD 0.00001; TOPMed 0.00001.
gnomAD v4.1: 5 of 1,613,992 alleles (0.00031%); highest among the groups gnomAD compares: Non-Finnish European, 0.00034%; no homozygotes.

Submission:

Labcorp Genetics (formerly Invitae), Labcorp
Classification: Uncertain significance for Atelosteogenesis type II; Multiple epiphyseal dysplasia type 4; Achondrogenesis, type IB; Diastrophic dysplasia. Last evaluated: 2022-08-16. Review status: criteria provided, single submitter. Criteria: Invitae Variant Classification Sherloc (09022015). Collection method: clinical testing. Allele origin: germline.
Comment: This sequence change replaces isoleucine, which is neutral and non-polar, with threonine, which is neutral and polar, at codon 580 of the SLC26A2 protein (p.Ile580Thr). This variant is not present in population databases (gnomAD no frequency). This variant has not been reported in the literature in individuals affected with SLC26A2-related conditions. Advanced modeling of protein sequence and biophysical properties (such as structural, functional, and spatial information, amino acid conservation, physicochemical variation, residue mobility, and thermodynamic stability) performed at Invitae indicates that this missense variant is expected to disrupt SLC26A2 protein function. In summary, the available evidence is currently insufficient to determine the role of this variant in disease. Therefore, it has been classified as a Variant of Uncertain Significance.